The following is an entry in ClinVar:

ClinVar aggregate classification (germline): Uncertain significance (1 of 4 stars; one submission).

Conditions:
DICER1-related tumor predisposition. Also called: DICER1 syndrome; DICER1-related pleuropulmonary blastoma cancer predisposition syndrome. Identifiers: Orphanet 284343, MedGen C3839822, MONDO:0100216.

Submission:

Labcorp Genetics (formerly Invitae), Labcorp
Classification: Uncertain significance for DICER1-related tumor predisposition. Last evaluated: 2023-10-04. Review status: criteria provided, single submitter. Criteria: Invitae Variant Classification Sherloc (09022015). Collection method: clinical testing. Allele origin: germline.
Comment: This sequence change replaces serine, which is neutral and polar, with isoleucine, which is neutral and non-polar, at codon 3 of the DICER1 protein (p.Ser3Ile). This variant is not present in population databases (gnomAD no frequency). This variant has not been reported in the literature in individuals affected with DICER1-related conditions. An algorithm developed to predict the effect of missense changes on protein structure and function (PolyPhen-2) suggests that this variant is likely to be tolerated. In summary, the available evidence is currently insufficient to determine the role of this variant in disease. Therefore, it has been classified as a Variant of Uncertain Significance.

NM_177438.3(DICER1):c.8G>T (p.Ser3Ile)

Gene: DICER1 (dicer 1, ribonuclease III; minus strand). Cytogenetic location: 14q32.13.
Variant type: single nucleotide variant.
Coding change: c.8G>T on transcript NM_177438.3 (MANE Select); coding-DNA position 8, G replaced by T.
Protein change: p.Ser3Ile; replaces serine 3 with isoleucine.
Molecular consequence: missense variant. On other transcripts: 5 prime UTR variant (8), non-coding transcript variant (6), intron variant (1).
Genome position (GRCh38, 1-based): chr14:95,133,451, C>A on the plus strand (G>T on the coding strand, the complement: DICER1 is on the minus strand). VCF-style: chr14-95133451-C-A. GRCh37 (hg19) VCF-style: chr14-95599788-C-A.
Other names: c.8G>T, p.Ser3Ile (NM_001395680.1, NM_001395681.1, NM_001395682.1 and 15 more transcripts); c.-267G>T (NM_001395686.1, NM_001395688.1, NM_001395689.1 and 3 more transcripts); c.-451G>T (NM_001395691.1); c.-1561G>T (NM_001395697.1); c.-130-774G>T (NM_001395687.1); short protein forms S3I.
Identifiers: ClinVar variation 2805533 (VCV002805533.3), dbSNP rs1894132373, ClinGen allele CA390890836.